The following is an entry in ClinVar:

NM_004360.5(CDH1):c.181A>C (p.Thr61Pro)

Gene: CDH1 (cadherin 1; plus strand). Cytogenetic location: 16q22.1.
Variant type: single nucleotide variant.
Coding change: c.181A>C on transcript NM_004360.5 (MANE Select); coding-DNA position 181, A replaced by C.
Protein change: p.Thr61Pro; replaces threonine 61 with proline.
Molecular consequence: missense variant. On other transcripts: 5 prime UTR variant (2).
Genome position (GRCh38, 1-based): chr16:68,801,687, A>C. VCF-style: chr16-68801687-A-C. GRCh37 (hg19) VCF-style: chr16-68835590-A-C.
Other names: c.181A>C, p.Thr61Pro (NM_001317184.2); c.-1435A>C (NM_001317185.2); c.-1639A>C (NM_001317186.2); short protein forms T61P.
Identifiers: ClinVar variation 4718413 (VCV004718413.2).
Genomic context (GRCh38, chr16:68,801,687, plus strand): 5'-TAATCTGTCCAATTTCCTAATCTCTGTGATTTCTGCCCTGCAGTGAATTTTGAAGATTGC[A>C]CCGGTCGACAAAGGACAGCCTATTTTTCCCTCGACACCCGATTCAAAGTGGGCACAGATG-3'
Protein context (NP_004351.1, residues 51-71): VLGRVNFEDC[Thr61Pro]GRQRTAYFSL

ClinVar aggregate classification (germline): Uncertain significance. Review status: criteria provided, multiple submitters, no conflicts (2 of 4 stars). 2 submissions from 2 submitters: Uncertain significance (2). Last evaluated 2025-12-17.

Conditions:
Hereditary diffuse gastric adenocarcinoma (HDGC). Also called: DIFFUSE GASTRIC AND LOBULAR BREAST CANCER SYNDROME. Identifiers: Orphanet 26106, MedGen C1708349, MONDO:0007648, OMIM 137215.
Hereditary cancer-predisposing syndrome. Also called: Neoplastic Syndromes, Hereditary; Tumor predisposition; Hereditary Cancer Syndrome; Hereditary neoplastic syndrome. Identifiers: Orphanet 140162, MedGen C0027672, MeSH D009386, MONDO:0015356.

Submissions (2):

Ambry Genetics
Classification: Uncertain significance for Hereditary cancer-predisposing syndrome. Last evaluated: 2025-12-17. Review status: criteria provided, single submitter. Criteria: Ambry Variant Classification Scheme 2023. Collection method: clinical testing. Allele origin: germline.
Comment: The p.T61P variant (also known as c.181A>C), located in coding exon 3 of the CDH1 gene, results from an A to C substitution at nucleotide position 181. The threonine at codon 61 is replaced by proline, an amino acid with highly similar properties. This amino acid position is well conserved in available vertebrate species. In addition, the in silico prediction for this alteration is inconclusive. Based on the available evidence, the clinical significance of this variant remains unclear.

Labcorp Genetics (formerly Invitae), Labcorp
Classification: Uncertain significance for Hereditary diffuse gastric adenocarcinoma. Last evaluated: 2025-11-17. Review status: criteria provided, single submitter. Criteria: Invitae Variant Classification Sherloc (09022015). Collection method: clinical testing. Allele origin: germline.
Comment: This sequence change replaces threonine, which is neutral and polar, with proline, which is neutral and non-polar, at codon 61 of the CDH1 protein (p.Thr61Pro). This variant is not present in population databases (gnomAD no frequency). This variant has not been reported in the literature in individuals affected with CDH1-related conditions. An algorithm developed to predict the effect of missense changes on protein structure and function (PolyPhen-2) suggests that this variant is likely to be tolerated. In summary, the available evidence is currently insufficient to determine the role of this variant in disease. Therefore, it has been classified as a Variant of Uncertain Significance.